The following is an entry in ClinVar:

ClinVar aggregate classification (germline): Uncertain significance (1 of 4 stars; one submission).

Conditions:
Multiple congenital anomalies-hypotonia-seizures syndrome 1 (MCAHS1). Also called: PIGN-CDG; Congenital disorder of glycosylation due to PIGN deficiency; GLYCOSYLPHOSPHATIDYLINOSITOL BIOSYNTHESIS DEFECT 3. Identifiers: Orphanet 280633, MedGen C3279775, MONDO:0013563, OMIM 614080.

Allele frequency attached by ClinVar (database versions not stated): gnomAD exomes below 0.00001; TOPMed below 0.00001; gnomAD 0.00001.
gnomAD v4.1: 8 of 1,586,318 alleles (0.0005%); highest among the groups gnomAD compares: Non-Finnish European, 0.00051%; no homozygotes.

Submission:

Labcorp Genetics (formerly Invitae), Labcorp
Classification: Uncertain significance for Multiple congenital anomalies-hypotonia-seizures syndrome 1. Last evaluated: 2024-04-25. Review status: criteria provided, single submitter. Criteria: Invitae Variant Classification Sherloc (09022015). Collection method: clinical testing. Allele origin: germline.
Comment: This sequence change replaces serine, which is neutral and polar, with proline, which is neutral and non-polar, at codon 631 of the PIGN protein (p.Ser631Pro). This variant is not present in population databases (gnomAD no frequency). This variant has not been reported in the literature in individuals affected with PIGN-related conditions. ClinVar contains an entry for this variant (Variation ID: 1019468). Advanced modeling of protein sequence and biophysical properties (such as structural, functional, and spatial information, amino acid conservation, physicochemical variation, residue mobility, and thermodynamic stability) has been performed at Invitae for this missense variant, however the output from this modeling did not meet the statistical confidence thresholds required to predict the impact of this variant on PIGN protein function. In summary, the available evidence is currently insufficient to determine the role of this variant in disease. Therefore, it has been classified as a Variant of Uncertain Significance.

NM_176787.5(PIGN):c.1891T>C (p.Ser631Pro)

Gene: PIGN (phosphatidylinositol glycan anchor biosynthesis class N; minus strand). Cytogenetic location: 18q21.33.
Variant type: single nucleotide variant.
Coding change: c.1891T>C on transcript NM_176787.5 (MANE Select); coding-DNA position 1891, T replaced by C.
Protein change: p.Ser631Pro; replaces serine 631 with proline.
Molecular consequence: missense variant.
Genome position (GRCh38, 1-based): chr18:62,102,871, A>G on the plus strand (T>C on the coding strand, the complement: PIGN is on the minus strand). VCF-style: chr18-62102871-A-G. GRCh37 (hg19) VCF-style: chr18-59770104-A-G.
Other names: c.1891T>C, p.Ser631Pro (NM_012327.6); short protein forms S631P.
Identifiers: ClinVar variation 1019468 (VCV001019468.7), dbSNP rs931135444, ClinGen allele CA301702940.